The following is an entry in ClinVar:

ClinVar aggregate classification (germline): Pathogenic/Likely pathogenic. Review status: criteria provided, multiple submitters, no conflicts (2 of 4 stars). 4 submissions from 4 submitters: Pathogenic (1); Likely pathogenic (3). Last evaluated 2025-07-21.

Conditions:
GM1 gangliosidosis. Identifiers: Orphanet 354, MedGen C0085131, MONDO:0018149.
Mucopolysaccharidosis, MPS-IV-B (MPS4B). Also called: MORQUIO SYNDROME B; Mucopolysaccharidosis Type IVB (Morquio B Disease); Mucopolysaccharidosis type 4B; Mucopolysaccharidosis type IVB (Morquio); MPS IVB; Mucopolysaccharidosis type IV B. Identifiers: Orphanet 309310, Orphanet 582, MedGen C0086652, MONDO:0009660, OMIM 253010.
GLB1-related disorder. Also called: GLB1-related disorders. Identifiers: MedGen CN377807.
Infantile GM1 gangliosidosis. Also called: Gangliosidosis, Generalized GM1, Type 1; GM1-gangliosidosis, type I; Gangliosidosis, generalized GM1, infantile form; GLB1 deficiency; GM1 gangliosidosis type 1. Identifiers: Orphanet 354, Orphanet 79255, MedGen C0268271, MONDO:0009260, OMIM 230500.
GM1 gangliosidosis type 3. Also called: GM1-GANGLIOSIDOSIS, TYPE III; GANGLIOSIDOSIS, GENERALIZED GM1, ADULT TYPE; GANGLIOSIDOSIS, GENERALIZED GM1, CHRONIC TYPE; GANGLIOSIDOSIS, GENERALIZED GM1, TYPE III; Gangliosidosis, Generalized GM1, Type 3; Beta-galactosidase deficiency. Identifiers: Orphanet 79257, MedGen C0268273, MONDO:0009262, OMIM 230650.
GM1 gangliosidosis type 2. Also called: GM1-GANGLIOSIDOSIS, TYPE II; GANGLIOSIDOSIS, GENERALIZED GM1, JUVENILE TYPE; GANGLIOSIDOSIS, GENERALIZED GM1, TYPE II; Gangliosidosis, Generalized GM1, Type 2; Juvenile GM>1< gangliosidosis. Identifiers: Orphanet 354, Orphanet 79256, MedGen C0268272, MONDO:0009261, OMIM 230600.

Submissions (4):

Natera, Inc.
Classification: Likely pathogenic for Mucopolysaccharidosis, MPS-IV-B. Last evaluated: 2025-07-21. Review status: criteria provided, single submitter. Criteria: Natera Variant Classification Schema (03/2026). Collection method: clinical testing. Allele origin: germline.
Comment: The c.438_440delTCT variant in GLB1 is an in-frame deletion predicted to remove leucine at amino acid 147 while preserving the reading frame. This variant is rare in the general population with a frequency below the threshold expected for the associated phenotype(s). This variant has been observed in one or more individuals affected with the associated recessive disease, as either homozygous or compound heterozygous with a second variant (PMID: 17309651, 29800929). Additionally, this variant has been observed to segregate in affected family members (PMID: 17309651). This variant results in a change to the protein length while preserving reading frame, which may disrupt normal protein structure or function. Computational prediction algorithms indicate this variant is likely to affect gene or protein function. Given the available evidence, this variant is classified as Likely Pathogenic.

Myriad Genetics, Inc.
Classification: Likely pathogenic for GLB1-related disorder. Last evaluated: 2025-06-26. Review status: criteria provided, single submitter. Criteria: Myriad Autosomal Dominant, Autosomal Recessive and X-Linked Classification Criteria (2023). Collection method: clinical testing. Allele origin: unknown.
Comment: NM_000404.2(GLB1):c.438_440delTCT(L147del) is an in-frame deletion classified as likely pathogenic in the context of GLB1-related disorders. L147del has been observed in cases with relevant disease (PMID: 17309651, 29800929, 21520340, Zhurkova_2019_(Abstract)). Relevant functional assessments of this variant are available in the literature (PMID: 21520340). L147del has been observed in referenced population frequency databases. In summary, NM_000404.2(GLB1):c.438_440delTCT(L147del) is an in-frame deletion that has functional support for pathogenicity and has been observed more frequently in cases with the relevant disease than in healthy populations. Please note: this variant was assessed in the context of healthy population screening.

Labcorp Genetics (formerly Invitae), Labcorp
Classification: Likely pathogenic for Mucopolysaccharidosis, MPS-IV-B; GM1 gangliosidosis. Last evaluated: 2025-04-08. Review status: criteria provided, single submitter. Criteria: Invitae Variant Classification Sherloc (09022015). Collection method: clinical testing. Allele origin: germline.
Comment: This variant, c.438_440del, results in the deletion of 1 amino acid(s) of the GLB1 protein (p.Leu147del), but otherwise preserves the integrity of the reading frame. This variant is present in population databases (rs751033858, gnomAD 0.005%). This variant has been observed in individual(s) with GM1 gangliosidosis and/or mucopolysaccharidosis type IVB (PMID: 17309651, 29800929). Experimental studies and prediction algorithms are not available or were not evaluated, and the functional significance of this variant is currently unknown. In summary, the currently available evidence indicates that the variant is pathogenic, but additional data are needed to prove that conclusively. Therefore, this variant has been classified as Likely Pathogenic.

Fulgent Genetics
Classification: Pathogenic for Infantile GM1 gangliosidosis; GM1 gangliosidosis type 2; GM1 gangliosidosis type 3; Mucopolysaccharidosis, MPS-IV-B. Last evaluated: 2024-03-07. Review status: criteria provided, single submitter. Criteria: ACMG Guidelines, 2015. Collection method: clinical testing. Allele origin: germline.

Literature cited by the submitters: PubMed 17309651 (cited by Natera, Inc. and Labcorp Genetics (formerly Invitae), Labcorp); PubMed 29800929 (cited by Natera, Inc. and Labcorp Genetics (formerly Invitae), Labcorp); PubMed 21520340 (cited by Myriad Genetics, Inc.).

NM_000404.4(GLB1):c.435TCT[1] (p.Leu147del)

Gene: GLB1 (galactosidase beta 1; minus strand). Cytogenetic location: 3p22.3.
Variant type: Microsatellite.
Coding change: c.435TCT[1] on transcript NM_000404.4 (MANE Select); one copy of the 3-base unit TCT starting at c.435; the reference has two copies in a row; one copy, 3 bases deleted; also written c.438_440del.
Protein change: p.Leu147del; deletes leucine 147.
Molecular consequence: inframe deletion. On other transcripts: intron variant (1).
Genome position (GRCh38, 1-based): chr3:33,068,247-33,068,249, AGA deleted on the plus strand (TCT on the coding strand, the reverse complement: GLB1 is on the minus strand); deleting any 3 consecutive bases within chr3:33,068,247-33,068,253 gives the same sequence; the position shown is the placement nearest the transcript's 3' end. VCF-style (leftmost placement, unchanged base first): chr3-33068246-GAGA-G. GRCh37 (hg19) VCF-style: chr3-33109738-GAGA-G.
Other names: c.345TCT[1], p.Leu117del (NM_001079811.3); c.579TCT[1], p.Leu195del (NM_001317040.2); c.435TCT[1], p.Leu147del (NM_001393580.1); c.246-2692_246-2690del (NM_001135602.3); c.438_440del (NM_000404.4); c.438_440delTCT (NM_000404.3); short protein forms L195del, L147del, L117del.
Identifiers: ClinVar variation 1473187 (VCV001473187.11), dbSNP rs751033858, ClinGen allele CA2299704.